The following is an entry in ClinVar:

NM_022131.3(CLSTN2):c.917T>A (p.Ile306Asn)

Gene: CLSTN2 (calsyntenin 2; plus strand). Cytogenetic location: 3q23.
Variant type: single nucleotide variant.
Coding change: c.917T>A on transcript NM_022131.3 (MANE Select); coding-DNA position 917, T replaced by A.
Protein change: p.Ile306Asn; replaces isoleucine 306 with asparagine.
Molecular consequence: missense variant.
Genome position (GRCh38, 1-based): chr3:140,448,648, T>A. VCF-style: chr3-140448648-T-A. GRCh37 (hg19) VCF-style: chr3-140167490-T-A.
Other names: short protein forms I306N.
Identifiers: ClinVar variation 771136 (VCV000771136.29), dbSNP rs41265459, ClinGen allele CA2642555.

ClinVar aggregate classification (germline): Likely benign. Review status: criteria provided, multiple submitters, no conflicts (2 of 4 stars). 3 submissions from 3 submitters: Likely benign (3). Last evaluated 2022-07-01.

Allele frequency attached by ClinVar (database versions not stated): 1000 Genomes Project 0.00240; 1000 Genomes Project 30x 0.00265; TOPMed 0.00345; ESP Exome Variant Server 0.00477.
gnomAD v4.1: 8,454 of 1,614,080 alleles (0.52%); highest among the groups gnomAD compares: Non-Finnish European, 0.63%; 31 homozygotes.

Submissions (3):

CeGaT Center for Human Genetics Tuebingen
Classification: Likely benign. Last evaluated: 2022-07-01. Review status: criteria provided, single submitter. Criteria: CeGaT Center For Human Genetics Tuebingen Variant Classification Criteria Version 2. Collection method: clinical testing. Allele origin: germline. Affected: yes. Observed: 1 variant allele.
Comment: CLSTN2: BS2

Labcorp Genetics (formerly Invitae), Labcorp
Classification: Likely benign. Last evaluated: 2019-12-31. Review status: criteria provided, single submitter. Criteria: Invitae Variant Classification Sherloc (09022015). Collection method: clinical testing. Allele origin: germline.

Breakthrough Genomics
Classification: Likely benign. Review status: criteria provided, single submitter. Criteria: ACMG Guidelines, 2015. Collection method: not provided. Allele origin: germline. Inheritance: Unknown mechanism. Affected: yes.